The following is an entry in ClinVar:

ClinVar aggregate classification (germline): Uncertain significance (1 of 4 stars; one submission).

Submission:

GeneDx
Classification: Uncertain significance. Last evaluated: 2022-05-31. Review status: criteria provided, single submitter. Criteria: GeneDx Variant Classification Process June 2021. Collection method: clinical testing. Allele origin: germline. Affected: yes.
Comment: In silico analysis supports that this missense variant has a deleterious effect on protein structure/function; Not observed at significant frequency in large population cohorts (gnomAD); This variant is associated with the following publications: (PMID: 28973148, 22508176)

NM_001009944.3(PKD1):c.5608A>G (p.Asn1870Asp)

Gene: PKD1 (polycystin 1, transient receptor potential channel interacting; minus strand). Cytogenetic location: 16p13.3.
Variant type: single nucleotide variant.
Coding change: c.5608A>G on transcript NM_001009944.3 (MANE Select); coding-DNA position 5608, A replaced by G.
Protein change: p.Asn1870Asp; replaces asparagine 1870 with aspartic acid.
Molecular consequence: missense variant.
Genome position (GRCh38, 1-based): chr16:2,109,559, T>C on the plus strand (A>G on the coding strand, the complement: PKD1 is on the minus strand). VCF-style: chr16-2109559-T-C. GRCh37 (hg19) VCF-style: chr16-2159560-T-C.
Other names: c.5608A>G, p.Asn1870Asp (NM_000296.4); short protein forms N1870D.
Identifiers: ClinVar variation 1802080 (VCV001802080.1), dbSNP rs2544811140, ClinGen allele CA394376190.
Genomic context (GRCh38, chr16:2,109,559, plus strand): 5'-GGCCCACGATGGGCTCCTCCGCCGTGAGGTTGTACGTGGCTGAGACCCAGCTGACTGCGT[T>C]GGAGGCATTGAGCCGGATGGAGAAGGTGCCAGCATCCGGGAAGACCATGGTGACATGAGG-3'
Protein context (NP_001009944.3, residues 1860-1880): GTFSIRLNAS[Asn1870Asp]AVSWVSATYN